The following is an entry in ClinVar:

ClinVar aggregate classification (germline): Likely pathogenic (1 of 4 stars; one submission).

Conditions:
Hemochromatosis type 3 (HFE3). Also called: HEMOCHROMATOSIS DUE TO DEFECT IN TRANSFERRIN RECEPTOR 2; Hereditary hemochromatosis type 3; TFR2-Related Hemochromatosis. Identifiers: Orphanet 225123, MedGen C1858664, MONDO:0011417, OMIM 604250.

Submission:

Natera, Inc.
Classification: Likely pathogenic for Hereditary hemochromatosis type 3. Last evaluated: 2024-05-06. Review status: criteria provided, single submitter. Criteria: Natera Variant Classification Schema (03/2026). Collection method: clinical testing. Allele origin: germline.
Comment: The c.1391-9_1395delTGTCCCCAGGCTTC variant in TFR2 is a frameshift variant predicted to shift the reading frame and introduce a stop codon. This variant is expected to result in nonsense mediated decay, truncation, or a dysfunctional protein product. This variant is rare in the general population with a frequency below the threshold expected for the associated phenotype(s). Given the available evidence, this variant is classified as Likely Pathogenic.

NM_003227.4(TFR2):c.1391-9_1395del

Gene: TFR2 (transferrin receptor 2; minus strand). Cytogenetic location: 7q22.1.
Variant type: Deletion.
Coding change: c.1391-9_1395del on transcript NM_003227.4 (MANE Select); 9 bases into the intron before coding-DNA position 1391 through coding-DNA position 1395, 14 bases deleted (TGTCCCCAGGCTTC).
Molecular consequence: splice acceptor variant.
Genome position (GRCh38, 1-based): chr7:100,628,302-100,628,315, GAAGCCTGGGGACA deleted on the plus strand (TGTCCCCAGGCTTC on the coding strand, the reverse complement: TFR2 is on the minus strand); deleting any 14 consecutive bases within chr7:100,628,302-100,628,317 gives the same sequence; the c. name uses the placement nearest the transcript's 3' end. VCF-style (leftmost placement, unchanged base first): chr7-100628301-GGAAGCCTGGGGACA-G. GRCh37 (hg19) VCF-style: chr7-100225924-GGAAGCCTGGGGACA-G.
Other names: c.878-9_882del (NM_001206855.3).
Identifiers: ClinVar variation 4815094 (VCV004815094.1).